The following is an entry in ClinVar:

NM_000108.5(DLD):c.55C>G (p.Arg19Gly)

Gene: DLD (dihydrolipoamide dehydrogenase; plus strand). Cytogenetic location: 7q31.1.
Variant type: single nucleotide variant.
Coding change: c.55C>G on transcript NM_000108.5 (MANE Select); coding-DNA position 55, C replaced by G.
Protein change: p.Arg19Gly; replaces arginine 19 with glycine.
Molecular consequence: missense variant. On other transcripts: 5 prime UTR variant (1).
Genome position (GRCh38, 1-based): chr7:107,893,215, C>G. VCF-style: chr7-107893215-C-G. GRCh37 (hg19) VCF-style: chr7-107533660-C-G.
Other names: c.-94C>G (NM_001289750.1); c.55C>G, p.Arg19Gly (NM_001289751.1, NM_001289752.1); short protein forms R19G.
Identifiers: ClinVar variation 578582 (VCV000578582.16), dbSNP rs144038427, ClinGen allele CA4434339.
Genomic context (GRCh38, chr7:107,893,215, plus strand): 5'-TTTTGAATTCATATCTTACATAATAGGGACATTTTCTTTTTCTAGAGAGGCCATTTCAAT[C>G]GAATATCTCATGGCCTACAGGGACTTTCTGCAGTGCCTCTGAGAACTTACGCAGATCAGC-3'
Protein context (NP_000099.2, residues 9-29): CSLAKRGHFN[Arg19Gly]ISHGLQGLSA

ClinVar aggregate classification (germline): Conflicting classifications of pathogenicity. Review status: criteria provided, conflicting classifications (1 of 4 stars). 8 submissions from 6 submitters: Uncertain significance (6); Likely benign (1). 1 of the submissions does not count toward it. Last evaluated 2026-08-06.

Conditions:
Pyruvate dehydrogenase complex deficiency (PDHC). Also called: Pyruvate Dehydrogenase Complex Deficiency Disease; Pyruvate dehydrogenase deficiency; PDH DEFICIENCY; PYRUVATE DECARBOXYLASE DEFICIENCY; Ataxia with lactic acidosis 1. Identifiers: Orphanet 765, Orphanet 79243, MedGen C0034345, MONDO:0019169.
Leigh syndrome (NULS). Also called: Leigh's syndrome; Leigh Disease; Leigh Syndrome (mtDNA deletion); Leigh's necrotizing encephalopathy; Leigh's disease; LEIGH SYNDROME, NUCLEAR. Identifiers: Orphanet 506, MedGen C2931891, MONDO:0009723, OMIM 256000.
Pyruvate dehydrogenase E3 deficiency (DLDD). Also called: DLD DEFICIENCY; E3 DEFICIENCY; Dihydrolipoamide Dehydrogenase E3 Deficiency; Lipoamide dehydrogenase deficiency, lactic acidosis due to; Lipoamide dehydrogenase deficiency; MAPLE SYRUP URINE DISEASE, TYPE III. Identifiers: Orphanet 2394, Orphanet 765, MedGen C5574660, MONDO:0009529, OMIM 246900.

Allele frequency attached by ClinVar (database versions not stated): gnomAD exomes 0.00033; ExAC 0.00036; TOPMed 0.00037; gnomAD 0.00039; 1000 Genomes Project 0.00040; ESP Exome Variant Server 0.00046; 1000 Genomes Project 30x 0.00047.
gnomAD v4.1: 741 of 1,613,344 alleles (0.046%); highest among the groups gnomAD compares: Non-Finnish European, 0.058%; no homozygotes.

Submissions (8):

OLLIN Analises Genomicas, OLLIN
Classification: Uncertain significance. Last evaluated: 2026-08-06. Review status: criteria provided, single submitter. Criteria: ACMG Guidelines 2015 PMID 25741868. Collection method: clinical testing. Allele origin: germline.
Comment: This missense variant, located in exon 2 (of 14), has been reported in ClinVar (accession VCV000578582.15) and in gnomAD with an allele frequency of 0.046%. However, to our knowledge, it has not been reported in the scientific literature. In silico analysis predicts that this variant has a tolerated effect. According to the currently available evidence, this variant has been classified as uncertain significance (PM2_P, BP4).

GeneDx
Classification: Uncertain significance. Last evaluated: 2026-02-03. Review status: criteria provided, single submitter. Criteria: GeneDx Variant Classification Process June 2021. Collection method: clinical testing. Allele origin: germline. Affected: yes.
Comment: In silico analysis suggests that this missense variant does not alter protein structure/function; Has not been previously published as pathogenic or benign to our knowledge

Labcorp Genetics (formerly Invitae), Labcorp
Classification: Likely benign for Pyruvate dehydrogenase E3 deficiency. Last evaluated: 2026-02-01. Review status: criteria provided, single submitter. Criteria: Invitae Variant Classification Sherloc (09022015). Collection method: clinical testing. Allele origin: germline.

Women's Health and Genetics/Laboratory Corporation of America, LabCorp
Classification: Uncertain significance. Last evaluated: 2025-11-05. Review status: criteria provided, single submitter. Criteria: LabCorp Variant Classification Summary - May 2015. Collection method: clinical testing. Allele origin: germline.
Comment: Variant summary: DLD c.55C>G (p.Arg19Gly) results in a non-conservative amino acid change in the encoded protein sequence. Algorithms developed to predict the effect of missense changes on protein structure and function are either unavailable or do not agree on the potential impact of this missense change. The variant allele was found at a frequency of 0.00033 in 250852 control chromosomes. This frequency is not significantly higher than estimated for disease-causing variants in DLD, allowing no conclusion about variant significance. To our knowledge, no occurrence of c.55C>G in individuals affected with DLD-related conditions and no experimental evidence demonstrating its impact on protein function have been reported. ClinVar contains an entry for this variant (Variation ID: 578582). Based on the evidence outlined above, the variant was classified as uncertain significance.

Illumina Laboratory Services, Illumina
Classification: Uncertain significance for Leigh syndrome. Last evaluated: 2018-01-12. Review status: criteria provided, single submitter. Criteria: ICSL Variant Classification Criteria 13 December 2019. Collection method: clinical testing. Allele origin: germline.

Illumina Laboratory Services, Illumina
Classification: Uncertain significance for Pyruvate dehydrogenase complex deficiency. Last evaluated: 2018-01-12. Review status: criteria provided, single submitter. Criteria: ICSL Variant Classification Criteria 13 December 2019. Collection method: clinical testing. Allele origin: germline.

Illumina Laboratory Services, Illumina
Classification: Uncertain significance for Pyruvate dehydrogenase E3 deficiency. Last evaluated: 2018-01-12. Review status: criteria provided, single submitter. Criteria: ICSL Variant Classification Criteria 13 December 2019. Collection method: clinical testing. Allele origin: germline.

Natera, Inc.
Classification: Likely benign for Maple syrup urine disease type 3. Last evaluated: 2019-10-28. Review status: no assertion criteria provided. Collection method: clinical testing. Allele origin: germline. Not counted in ClinVar's aggregate classification.